The following is an entry in ClinVar:

NM_001332.4(CTNND2):c.3664G>A (p.Asp1222Asn)

Gene: CTNND2 (catenin delta 2; minus strand). Cytogenetic location: 5p15.2.
Variant type: single nucleotide variant.
Coding change: c.3664G>A on transcript NM_001332.4 (MANE Select); coding-DNA position 3664, G replaced by A.
Protein change: p.Asp1222Asn; replaces aspartic acid 1222 with asparagine.
Molecular consequence: missense variant. On other transcripts: non-coding transcript variant (1).
Genome position (GRCh38, 1-based): chr5:10,973,467, C>T on the plus strand (G>A on the coding strand, the complement: CTNND2 is on the minus strand). VCF-style: chr5-10973467-C-T. GRCh37 (hg19) VCF-style: chr5-10973579-C-T.
Other names: c.3391G>A, p.Asp1131Asn (NM_001288715.1); c.2653G>A, p.Asp885Asn (NM_001288716.1); c.2365G>A, p.Asp789Asn (NM_001288717.2); c.2728G>A, p.Asp910Asn (NM_001364128.2); short protein forms D1131N, D1222N, D789N, D885N, D910N.
Identifiers: ClinVar variation 2636444 (VCV002636444.2), dbSNP rs2546315201, ClinGen allele CA359276432.
Genomic context (GRCh38, chr5:10,973,467, plus strand): 5'-GTATGCATGCACATGCACTGTTCCCGGAGCGCCTGTGCCCTGCTCCTCACACCCAGGAGT[C>T]GGGGGAGGCCGGGTAGTGGCTCGTTTCATAGTTCAGTTCACTGTAGGGACGGGCAGCTGA-3'
Protein context (NP_001323.1, residues 1212-1225): YETSHYPASP[Asp1222Asn]SWV

ClinVar aggregate classification (germline): Uncertain significance (1 of 4 stars; one submission).

Conditions:
CTNND2-related disorder. Also called: CTNND2-related condition.

Allele frequency attached by ClinVar (database versions not stated): gnomAD exomes 0.00001.
gnomAD v4.1: 7 of 1,594,806 alleles (0.00044%); highest among the groups gnomAD compares: East Asian, 0.0022%; no homozygotes.

Submission:

PreventionGenetics, part of Exact Sciences
Classification: Uncertain significance for CTNND2-related condition. Last evaluated: 2025-02-13. Review status: criteria provided, single submitter. Criteria: ACMG Guidelines, 2015. Collection method: clinical testing. Allele origin: germline.
Comment: The CTNND2 c.3664G>A variant is predicted to result in the amino acid substitution p.Asp1222Asn. To our knowledge, this variant has not been reported in the literature or in a large population database, indicating this variant is rare. At this time, the clinical significance of this variant is uncertain due to the absence of conclusive functional and genetic evidence.